The following is an entry in ClinVar:

ClinVar aggregate classification (germline): Uncertain significance (1 of 4 stars; one submission).

Conditions:
Dyskeratosis congenita. Identifiers: Orphanet 1775, MedGen C0265965, MONDO:0015780.

Allele frequency attached by ClinVar (database versions not stated): gnomAD exomes below 0.00001.

Submission:

Labcorp Genetics (formerly Invitae), Labcorp
Classification: Uncertain significance for Dyskeratosis congenita. Last evaluated: 2021-08-27. Review status: criteria provided, single submitter. Criteria: Invitae Variant Classification Sherloc (09022015). Collection method: clinical testing. Allele origin: germline.
Comment: This sequence change replaces glutamine with histidine at codon 544 of the CTC1 protein (p.Gln544His). The glutamine residue is moderately conserved and there is a small physicochemical difference between glutamine and histidine. This variant is not present in population databases (ExAC no frequency). This variant has not been reported in the literature in individuals affected with CTC1-related conditions. Algorithms developed to predict the effect of missense changes on protein structure and function output the following: SIFT: "Tolerated"; PolyPhen-2: "Probably Damaging"; Align-GVGD: "Class C0". The histidine amino acid residue is found in multiple mammalian species, which suggests that this missense change does not adversely affect protein function. In summary, the available evidence is currently insufficient to determine the role of this variant in disease. Therefore, it has been classified as a Variant of Uncertain Significance.

NM_025099.6(CTC1):c.1632G>T (p.Gln544His)

Gene: CTC1 (CST telomere replication complex component 1; minus strand). Cytogenetic location: 17p13.1.
Variant type: single nucleotide variant.
Coding change: c.1632G>T on transcript NM_025099.6 (MANE Select); coding-DNA position 1632, G replaced by T.
Protein change: p.Gln544His; replaces glutamine 544 with histidine.
Molecular consequence: missense variant. On other transcripts: non-coding transcript variant (1).
Genome position (GRCh38, 1-based): chr17:8,234,641, C>A on the plus strand (G>T on the coding strand, the complement: CTC1 is on the minus strand). VCF-style: chr17-8234641-C-A. GRCh37 (hg19) VCF-style: chr17-8137959-C-A.
Other names: c.1632G>T, p.Gln544His (NM_001411067.1); short protein forms Q544H.
Identifiers: ClinVar variation 2415419 (VCV002415419.3), dbSNP rs899656450, ClinGen allele CA287535763.
Genomic context (GRCh38, chr17:8,234,641, plus strand): 5'-CCAGGCCTTACGCTGTCCTTCTTCTTTCAGGGTGGCCAGAGTGGGGAAGGAGGAGGGAGT[C>A]TGCAGCCGAGTGTACTGTCAAGGAGGGAAGAGAAATCGGGTGTGTGTCCCATGGGCCCCA-3'
Protein context (NP_079375.3, residues 534-554): HCPLQKYTRL[Gln544His]TPSSFPTLAT